The following is an entry in ClinVar:

ClinVar aggregate classification (germline): Uncertain significance (1 of 4 stars; one submission).

Conditions:
Inborn genetic diseases. Identifiers: MedGen C0950123, MeSH D030342.

Submission:

Ambry Genetics
Classification: Uncertain significance for Inborn genetic diseases. Last evaluated: 2026-05-30. Review status: criteria provided, single submitter. Criteria: Ambry Variant Classification Scheme 2023. Collection method: clinical testing. Allele origin: germline.
Comment: The p.P779R variant (also known as c.2336C>G), located in coding exon 13 of the ASXL1 gene, results from a C to G substitution at nucleotide position 2336. The proline at codon 779 is replaced by arginine, an amino acid with dissimilar properties. This amino acid position is conserved. In addition, this alteration is predicted to be tolerated by in silico analysis. Based on the available evidence, the clinical significance of this variant remains unclear.

NM_015338.6(ASXL1):c.2336C>G (p.Pro779Arg)

Gene: ASXL1 (ASXL transcriptional regulator 1; plus strand). Cytogenetic location: 20q11.21.
Variant type: single nucleotide variant.
Coding change: c.2336C>G on transcript NM_015338.6 (MANE Select); coding-DNA position 2336, C replaced by G.
Protein change: p.Pro779Arg; replaces proline 779 with arginine.
Molecular consequence: missense variant.
Genome position (GRCh38, 1-based): chr20:32,435,048, C>G. VCF-style: chr20-32435048-C-G. GRCh37 (hg19) VCF-style: chr20-31022851-C-G.
Other names: c.2153C>G, p.Pro718Arg (NM_001363734.1); short protein forms P718R, P779R.
Identifiers: ClinVar variation 4864878 (VCV004864878.1).
Genomic context (GRCh38, chr20:32,435,048, plus strand): 5'-GCCAGGCCTTGCCCCTACTGTCCTCCCAAACCTCAGTAGCTGAGAGATTAGTGGAGCAGC[C>G]TCAGTTGCATCCGGATGTTAGAACTGAATGTGAGTCTGGCACCACTTCCTGGGAAAGTGA-3'
Protein context (NP_056153.2, residues 769-789): TSVAERLVEQ[Pro779Arg]QLHPDVRTEC